The following is an entry in ClinVar:

NM_002900.3(RBP3):c.3590C>T (p.Ser1197Phe)

Gene: RBP3 (retinol binding protein 3; plus strand). Cytogenetic location: 10q11.22.
Variant type: single nucleotide variant.
Coding change: c.3590C>T on transcript NM_002900.3 (MANE Select); coding-DNA position 3590, C replaced by T.
Protein change: p.Ser1197Phe; replaces serine 1197 with phenylalanine.
Molecular consequence: missense variant.
Genome position (GRCh38, 1-based): chr10:47,357,303, C>T. VCF-style: chr10-47357303-C-T. GRCh37 (hg19) VCF-style: chr10-48382059-G-A.
Other names: short protein forms S1197F.
Identifiers: ClinVar variation 1462827 (VCV001462827.5), dbSNP rs777713935, ClinGen allele CA206470171.

ClinVar aggregate classification (germline): Uncertain significance (1 of 4 stars; one submission).

Allele frequency attached by ClinVar (database versions not stated): gnomAD 0.00001; gnomAD exomes below 0.00001; TOPMed 0.00001.
gnomAD v4.1: 4 of 1,614,060 alleles (0.00025%); highest among the groups gnomAD compares: Non-Finnish European, 0.00034%; no homozygotes.

Submission:

Labcorp Genetics (formerly Invitae), Labcorp
Classification: Uncertain significance. Last evaluated: 2021-08-07. Review status: criteria provided, single submitter. Criteria: Invitae Variant Classification Sherloc (09022015). Collection method: clinical testing. Allele origin: germline.
Comment: In summary, the available evidence is currently insufficient to determine the role of this variant in disease. Therefore, it has been classified as a Variant of Uncertain Significance. Algorithms developed to predict the effect of missense changes on protein structure and function (SIFT, PolyPhen-2, Align-GVGD) all suggest that this variant is likely to be disruptive. This variant has not been reported in the literature in individuals affected with RBP3-related conditions. This variant is not present in population databases (ExAC no frequency). This sequence change replaces serine with phenylalanine at codon 1197 of the RBP3 protein (p.Ser1197Phe). The serine residue is highly conserved and there is a large physicochemical difference between serine and phenylalanine.